The following is an entry in ClinVar:

ClinVar aggregate classification (germline): Uncertain significance (1 of 4 stars; one submission).

Submission:

GeneDx
Classification: Uncertain significance. Last evaluated: 2020-11-24. Review status: criteria provided, single submitter. Criteria: GeneDx Variant Classification Process June 2021. Collection method: clinical testing. Allele origin: germline. Affected: yes.
Comment: Not observed in large population cohorts (Lek et al., 2016); In silico analysis supports that this missense variant does not alter protein structure/function; Has not been previously published as pathogenic or benign to our knowledge

NM_015570.4(AUTS2):c.2467G>C (p.Ala823Pro)

Gene: AUTS2 (activator of transcription and developmental regulator AUTS2; plus strand). Cytogenetic location: 7q11.22.
Variant type: single nucleotide variant.
Coding change: c.2467G>C on transcript NM_015570.4 (MANE Select); coding-DNA position 2467, G replaced by C.
Protein change: p.Ala823Pro; replaces alanine 823 with proline.
Molecular consequence: missense variant.
Genome position (GRCh38, 1-based): chr7:70,787,367, G>C. VCF-style: chr7-70787367-G-C. GRCh37 (hg19) VCF-style: chr7-70252353-G-C.
Other names: c.2395G>C, p.Ala799Pro (NM_001127231.3); short protein forms A799P, A823P.
Identifiers: ClinVar variation 1313695 (VCV001313695.2), dbSNP rs2129561056, ClinGen allele CA367664137.